The following is an entry in ClinVar:

NM_020937.4(FANCM):c.1025G>A (p.Arg342Lys)

Gene: FANCM (FA complementation group M; plus strand). Cytogenetic location: 14q21.2.
Variant type: single nucleotide variant.
Coding change: c.1025G>A on transcript NM_020937.4 (MANE Select); coding-DNA position 1025, G replaced by A.
Protein change: p.Arg342Lys; replaces arginine 342 with lysine.
Molecular consequence: missense variant.
Genome position (GRCh38, 1-based): chr14:45,151,503, G>A. VCF-style: chr14-45151503-G-A. GRCh37 (hg19) VCF-style: chr14-45620706-G-A.
Other names: c.1025G>A (NM_020937.2); c.947G>A, p.Arg316Lys (NM_001308133.2); c.1025G>A, p.Arg342Lys (NM_001308134.2); short protein forms R316K, R342K.
Identifiers: ClinVar variation 830244 (VCV000830244.3), dbSNP rs1886815609, ClinGen allele CA389590702.

ClinVar aggregate classification (germline): Uncertain significance. Review status: criteria provided, multiple submitters, no conflicts (2 of 4 stars). 2 submissions from 2 submitters: Uncertain significance (2). Last evaluated 2025-10-26.

Conditions:
Inborn genetic diseases. Identifiers: MedGen C0950123, MeSH D030342.
Hereditary breast ovarian cancer syndrome. Also called: Hereditary breast and/or ovarian cancer syndrome; Hereditary breast and ovarian cancer syndrome (HBOC); Breast and ovarian cancer; Hereditary breast and ovarian cancer; BRCA1- and BRCA2-Associated Hereditary Breast and Ovarian Cancer; Hereditary breast and ovarian cancer syndrome. Identifiers: Orphanet 145, MedGen C0677776, MeSH D061325, MONDO:0003582. Disease mechanism: loss of function.

Allele frequency attached by ClinVar (database versions not stated): gnomAD exomes below 0.00001; TOPMed below 0.00001.
gnomAD v4.1: 2 of 1,612,798 alleles (0.00012%); highest among the groups gnomAD compares: East Asian, 0.0022%; no homozygotes.

Submissions (2):

Ambry Genetics
Classification: Uncertain significance for Inborn genetic diseases. Last evaluated: 2025-10-26. Review status: criteria provided, single submitter. Criteria: Ambry Variant Classification Scheme 2023. Collection method: clinical testing. Allele origin: germline.
Comment: The p.R342K variant (also known as c.1025G>A), located in coding exon 5 of the FANCM gene, results from a G to A substitution at nucleotide position 1025. The arginine at codon 342 is replaced by lysine, an amino acid with highly similar properties. This amino acid position is conserved. In addition, this alteration is predicted to be tolerated by in silico analysis. Based on the available evidence, the clinical significance of this variant remains unclear.

Cancer Genomics Group, Japanese Foundation For Cancer Research
Classification: Uncertain significance for Hereditary breast and ovarian cancer syndrome. Last evaluated: 2019-05-01. Review status: criteria provided, single submitter. Criteria: ACMG Guidelines, 2015. Collection method: research. Allele origin: germline. Affected: yes.